The following is an entry in ClinVar:

ClinVar aggregate classification (germline): Uncertain significance (1 of 4 stars; one submission).

Submission:

Greenwood Genetic Center Diagnostic Laboratories, Greenwood Genetic Center
Classification: Uncertain significance. Last evaluated: 2024-12-18. Review status: criteria provided, single submitter. Criteria: ACMG Guidelines, 2015. Collection method: clinical testing. Allele origin: germline. Affected: yes.
Comment: PM2, PP3

NM_001283.5(AP1S1):c.292G>A (p.Val98Met)

Gene: AP1S1 (adaptor related protein complex 1 subunit sigma 1; plus strand). Cytogenetic location: 7q22.1.
Variant type: single nucleotide variant.
Coding change: c.292G>A on transcript NM_001283.5 (MANE Select); coding-DNA position 292, G replaced by A.
Protein change: p.Val98Met; replaces valine 98 with methionine.
Molecular consequence: missense variant.
Genome position (GRCh38, 1-based): chr7:101,159,059, G>A. VCF-style: chr7-101159059-G-A. GRCh37 (hg19) VCF-style: chr7-100802340-G-A.
Other names: short protein forms V98M.
Identifiers: ClinVar variation 3765829 (VCV003765829.1).